The following is an entry in ClinVar:

NM_058216.3(RAD51C):c.577C>T (p.Arg193Ter)

Gene: RAD51C (RAD51 paralog C; plus strand). Cytogenetic location: 17q22.
Variant type: single nucleotide variant.
Coding change: c.577C>T on transcript NM_058216.3 (MANE Select); coding-DNA position 577, C replaced by T.
Protein change: p.Arg193Ter; replaces arginine 193 with a stop codon.
Molecular consequence: nonsense. On other transcripts: non-coding transcript variant (1).
Genome position (GRCh38, 1-based): chr17:58,703,201, C>T. VCF-style: chr17-58703201-C-T. GRCh37 (hg19) VCF-style: chr17-56780562-C-T.
Other names: p.R193*:CGA>TGA; short protein forms R193*.
Identifiers: ClinVar variation 140849 (VCV000140849.67), dbSNP rs200293302, ClinGen allele CA333162.

ClinVar aggregate classification (germline): Pathogenic/Likely pathogenic. Review status: criteria provided, multiple submitters, no conflicts (2 of 4 stars). 26 submissions from 26 submitters: Pathogenic (18); Likely pathogenic (5). 3 of the submissions do not count toward it. Last evaluated 2026-09-11.

Conditions:
RAD51C-related cancer predisposition. Identifiers: MedGen CN377762, MONDO:0700273.
Inherited ovarian cancer (without breast cancer).
RAD51C-related disorder. Also called: RAD51C-related disorders; RAD51C-related condition.
Hereditary cancer-predisposing syndrome. Also called: Hereditary neoplastic syndrome; Neoplastic Syndromes, Hereditary; Tumor predisposition; Hereditary Cancer Syndrome. Identifiers: Orphanet 140162, MedGen C0027672, MeSH D009386, MONDO:0015356.
Breast-ovarian cancer, familial, susceptibility to, 3. Also called: RAD51C-Related Breast/Ovarian Cancer. Identifiers: Orphanet 145, MedGen C3150659, MONDO:0013253, OMIM 613399.
Fanconi anemia complementation group O. Also called: RAD51C-Related Fanconi Anemia. Identifiers: Orphanet 84, MedGen C3150653, MONDO:0013248, OMIM 613390.
Hereditary breast ovarian cancer syndrome. Also called: BRCA1- and BRCA2-Associated Hereditary Breast and Ovarian Cancer; Hereditary breast and ovarian cancer syndrome; Hereditary breast and/or ovarian cancer syndrome; Hereditary breast and ovarian cancer; Hereditary breast and ovarian cancer syndrome (HBOC); Breast and ovarian cancer. Identifiers: Orphanet 145, MedGen C0677776, MeSH D061325, MONDO:0003582. Disease mechanism: loss of function.
Breast carcinoma. Also called: Carcinoma of breast. Identifiers: MedGen C0678222, MONDO:0004989, HP:0003002.

Allele frequency attached by ClinVar (database versions not stated): TOPMed 0.00003; ExAC 0.00004; gnomAD exomes 0.00004.

Submissions 1 to 10 of 26:

Genetics Laboratory, Great Ormond Street Hospital NHS Foundation Trust, North Thames Genomic Laboratory Hub
Classification: Likely pathogenic for Inherited ovarian cancer (without breast cancer). Last evaluated: 2026-09-11. Review status: criteria provided, single submitter. Criteria: CanVIG RAD51CD Gene Specific V1.2. Collection method: clinical testing. Allele origin: germline. Affected: yes.
Comment: PVS1_very-strong, PM5_supporting

Institute of Human Genetics, University of Leipzig Medical Center
Classification: Pathogenic for Breast-ovarian cancer, familial, susceptibility to, 3. Last evaluated: 2026-06-02. Review status: criteria provided, single submitter. Criteria: ACMG Guidelines, 2015. Collection method: clinical testing. Allele origin: maternal. Inheritance: Autosomal dominant inheritance. Affected: yes.
Comment: Criteria applied: PVS1,PS3_MOD,PM5_SUP

German Consortium for Hereditary Breast and Ovarian Cancer, University Hospital Cologne
Classification: Pathogenic for Hereditary breast ovarian cancer syndrome. Last evaluated: 2026-05-05. Review status: criteria provided, single submitter. Criteria: ACMG SVI. Collection method: curation. Allele origin: germline.
Comment: This classification follows the ACMG SVI adaptation classification scheme; We chose these criteria: PVS1 (very strong pathogenic): nonsense variant, predicted to undergo NMD, PS3 (medium pathogenic): Olvera-León (2024, PMID: 39299233): Fast depleted, PM5 (supporting pathogenic): As per CanVIG RAD51C specifications: NMD predicted as variant is 5’ of p.Leu326; Based on evidence we decided that this criterion can not be selected: PM2 (supporting pathogenic): not applicable, variant found 67x in gnomAD v.4.1

Labcorp Genetics (formerly Invitae), Labcorp
Classification: Pathogenic for Fanconi anemia complementation group O. Last evaluated: 2026-01-01. Review status: criteria provided, single submitter. Criteria: Invitae Variant Classification Sherloc (09022015). Collection method: clinical testing. Allele origin: germline.
Comment: This sequence change creates a premature translational stop signal (p.Arg193*) in the RAD51C gene. It is expected to result in an absent or disrupted protein product. Loss-of-function variants in RAD51C are known to be pathogenic (PMID: 20400964, 21990120, 24800917, 29278735). This variant is present in population databases (rs200293302, gnomAD 0.01%). This premature translational stop signal has been observed in individual(s) with breast cancer and ovarian cancer (PMID: 22538716, 22725699, 25086635, 26261251, 26740214). ClinVar contains an entry for this variant (Variation ID: 140849). For these reasons, this variant has been classified as Pathogenic.

Color Diagnostics, LLC DBA Color Health
Classification: Pathogenic for Hereditary cancer-predisposing syndrome. Last evaluated: 2025-12-08. Review status: criteria provided, single submitter. Criteria: ACMG Guidelines, 2015. Collection method: clinical testing. Allele origin: germline.
Comment: This variant changes 1 nucleotide in exon 4 of the RAD51C gene, creating a premature translation stop signal. This variant is expected to result in an absent or non-functional protein product. This variant has been observed in individuals affected with ovarian cancer (PMID: 22538716, 22725699, 26261251) and breast cancer (PMID: 25086635, 26740214, 26976419, 30949688, 32658311, 33471991). This variant has been identified in 10/251204 chromosomes in the general population by the Genome Aggregation Database (gnomAD). Loss of RAD51C function is a known mechanism of disease. Based on the available evidence, this variant is classified as Pathogenic.

Institute for Genomic Medicine (IGM) Clinical Laboratory, Nationwide Children's Hospital
Classification: Pathogenic for RAD51C-related cancer predisposition. Last evaluated: 2025-08-07. Review status: criteria provided, single submitter. Criteria: ACMG Guidelines, 2015. Collection method: clinical testing. Allele origin: germline.
Comment: This variant is predicted to result in loss of function through nonsense-mediated decay of the encoded transcript or premature truncation of the encoded protein in a gene in which loss of function is a known mechanism of disease (ACMG/AMP: PVS1). This variant has been reported at an elevated frequency in affected individuals/in multiple affected individuals in the literature (ACMG/AMP: PS4; PMIDs:22538716, 22725699, 25086635, 26261251, 26740214, 24240112).

Molecular Diagnostics Laboratory, Catalan Institute of Oncology
Classification: Likely pathogenic for Hereditary cancer-predisposing syndrome. Last evaluated: 2025-06-18. Review status: criteria provided, single submitter. Criteria: ACMG Guidelines, 2015. Collection method: clinical testing. Allele origin: germline.
Comment: PVS1, PS3_Supporting c.577C>T, located in exon 4 of the RAD51C gene, is a nonsense variant expected to result in loss of function by premature protein truncation and nonsense-mediated mRNA decay, p.(Arg193*)(PVS1).The SpliceAI algorithm predicts no significant impact on splicing. This variant is found in 8/268086 alleles at a filtering allele frequency of 0.0012% in the gnomAD v2.1.1 database, Latino non-cancer data set. Experimental studies have shown that this variant affects RAD51C function with a very reduced homologous recombination in Chinese hamster cells (PMID: 28588062)(PS3_Supporting).This variant has been reported in several articles in patients with ovarian and/or breast cancer (PMID: 22538716, 22725699, 25086635, 26261251, 26681312, 24240112 and internal data). In adition, this variant has been reported in the ClinVar database (17x pathogenic, 3x likely pathogenic) and in the LOVD database (4x pathogenic, 2x not classified). This variant has been reported in several articles in patients with ovarian and/or breast cancer (PMID: 22538716, 22725699, 25086635, 26261251, 26681312, 24240112 and internal data). Based on currently available information, the variant c.577C>T is classified as a likely pathogenic variant according to ACMG guidelines.

Department of Clinical Genetics, Copenhagen University Hospital, Rigshospitalet
Classification: Likely pathogenic for Hereditary cancer-predisposing syndrome. Last evaluated: 2025-02-04. Review status: criteria provided, single submitter. Criteria: ACMG Guidelines, 2015. Collection method: clinical testing. Allele origin: germline.
Comment: PVS1; PS4_SUP

GeneDx
Classification: Pathogenic. Last evaluated: 2025-01-06. Review status: criteria provided, single submitter. Criteria: GeneDx Variant Classification Process June 2021. Collection method: clinical testing. Allele origin: germline. Affected: yes.
Comment: Nonsense variant predicted to result in protein truncation or nonsense mediated decay in a gene for which loss-of-function is a known mechanism of disease; Not observed at significant frequency in large population cohorts (gnomAD); This variant is associated with the following publications: (PMID: 22538716, 26740214, 25086635, 26261251, 23117857, 28588062, 22725699, 26720728, 25470109, 26681312, 26976419, 29093764, 29409816, 26689913, 32658311, 31589614, 28888541, 29922827, 34026625, 33077847, 33804961, 33999380, 35626031, 34308104, 33047316, 34326862, 36493725, 36920765, 36169650, 35988656, 36495689, 34887416, 36113475)

Ambry Genetics
Classification: Pathogenic for Hereditary cancer-predisposing syndrome. Last evaluated: 2024-12-13. Review status: criteria provided, single submitter. Criteria: Ambry Variant Classification Scheme 2023. Collection method: clinical testing. Allele origin: germline.
Comment: The p.R193* pathogenic mutation (also known as c.577C>T), located in coding exon 4 of the RAD51C gene, results from a C to T substitution at nucleotide position 577. This changes the amino acid from an arginine to a stop codon within coding exon 4. This variant has been reported in multiple individuals diagnosed with breast and/or ovarian cancer (Loveday C et al. Nat. Genet., 2012 Apr;44:475-6; author reply 476; Kushnir A et al. Breast Cancer Res Treat, 2012 Dec;136:869-74; Coulet F et al. Clin. Genet., 2013 Apr;83:332-6; Pennington KP et al. Clin Cancer Res, 2014 Feb;20:764-75; Blanco A et al. Breast Cancer Res Treat, 2014 Aug;147:133-43; Sopik V et al. Clin Genet, 2015 Oct;88:303-12; Song H et al. J Clin Oncol, 2015 Sep;33:2901-7; Lu C et al. Nat Commun. 2015 Dec 22;6:10086; J&oslash;nson L et al. Breast Cancer Res Treat, 2016 Jan;155:215-22; Susswein LR et al. Genet Med, 2016 08;18:823-32; Tung N et al. J Clin Oncol, 2016 May;34:1460-8; Li N et al. J Natl Cancer Inst, 2019 12;111:1332-1338; Akcay IM et al. Int J Cancer, 2021 01;148:285-295; Dorling et al. N Engl J Med. 2021 02;384:428-439). In addition to the clinical data presented in the literature, this alteration is expected to result in loss of function by premature protein truncation or nonsense-mediated mRNA decay. As such, this alteration is interpreted as a disease-causing mutation.